The following is an entry in ClinVar:

ClinVar aggregate classification (germline): Likely benign (1 of 4 stars; one submission).

Submission:

CeGaT Center for Human Genetics Tuebingen
Classification: Likely benign. Last evaluated: 2024-01-01. Review status: criteria provided, single submitter. Criteria: CeGaT Center For Human Genetics Tuebingen Variant Classification Criteria Version 2. Collection method: clinical testing. Allele origin: germline. Affected: yes. Observed: 2 variant alleles.
Comment: NEFH: BP4, BP7

NM_021076.4(NEFH):c.2190A>C (p.Ala730=)

Gene: NEFH (neurofilament heavy chain; plus strand). Cytogenetic location: 22q12.2.
Variant type: single nucleotide variant.
Coding change: c.2190A>C on transcript NM_021076.4 (MANE Select); coding-DNA position 2190, A replaced by C.
Protein change: p.Ala730=; no amino-acid change (alanine 730 retained).
Molecular consequence: synonymous variant.
Genome position (GRCh38, 1-based): chr22:29,489,830, A>C. VCF-style: chr22-29489830-A-C. GRCh37 (hg19) VCF-style: chr22-29885819-A-C.
Identifiers: ClinVar variation 2653051 (VCV002653051.24), dbSNP rs2063068807, ClinGen allele CA514339003.